The following is an entry in ClinVar:

NM_001605.3(AARS1):c.1985C>A (p.Ala662Glu)

Gene: AARS1 (alanyl-tRNA synthetase 1; minus strand). Cytogenetic location: 16q22.1.
Variant type: single nucleotide variant.
Coding change: c.1985C>A on transcript NM_001605.3 (MANE Select); coding-DNA position 1985, C replaced by A.
Protein change: p.Ala662Glu; replaces alanine 662 with glutamic acid.
Molecular consequence: missense variant.
Genome position (GRCh38, 1-based): chr16:70,258,987, G>T on the plus strand (C>A on the coding strand, the complement: AARS1 is on the minus strand). VCF-style: chr16-70258987-G-T. GRCh37 (hg19) VCF-style: chr16-70292890-G-T.
Other names: short protein forms A662E.
Identifiers: ClinVar variation 1682181 (VCV001682181.8), dbSNP rs2152154318, ClinGen allele CA396557898.

ClinVar aggregate classification (germline): Uncertain significance (1 of 4 stars; one submission).

Conditions:
Charcot-Marie-Tooth disease type 2. Also called: Charcot-Marie-Tooth type 2. Identifiers: Orphanet 64746, MedGen C0270914, MONDO:0018993.

Submission:

Labcorp Genetics (formerly Invitae), Labcorp
Classification: Uncertain significance for Charcot-Marie-Tooth disease type 2. Last evaluated: 2021-12-02. Review status: criteria provided, single submitter. Criteria: Invitae Variant Classification Sherloc (09022015). Collection method: clinical testing. Allele origin: germline.
Comment: This sequence change replaces alanine, which is neutral and non-polar, with glutamic acid, which is acidic and polar, at codon 662 of the AARS protein (p.Ala662Glu). In summary, the available evidence is currently insufficient to determine the role of this variant in disease. Therefore, it has been classified as a Variant of Uncertain Significance. Algorithms developed to predict the effect of missense changes on protein structure and function (SIFT, PolyPhen-2, Align-GVGD) all suggest that this variant is likely to be tolerated. This variant has not been reported in the literature in individuals affected with AARS-related conditions. This variant is not present in population databases (gnomAD no frequency).